The following is an entry in ClinVar:

NM_001040142.2(SCN2A):c.5308A>G (p.Met1770Val)

Gene: SCN2A (sodium voltage-gated channel alpha subunit 2; plus strand). Cytogenetic location: 2q24.3.
Variant type: single nucleotide variant.
Coding change: c.5308A>G on transcript NM_001040142.2 (MANE Select); coding-DNA position 5308, A replaced by G.
Protein change: p.Met1770Val; replaces methionine 1770 with valine.
Molecular consequence: missense variant.
Genome position (GRCh38, 1-based): chr2:165,389,114, A>G. VCF-style: chr2-165389114-A-G. GRCh37 (hg19) VCF-style: chr2-166245624-A-G.
Other names: c.5308A>G, p.Met1770Val (NM_001040143.2, NM_001371246.1, NM_001371247.1 and 1 more transcripts); short protein forms M1770V.
Identifiers: ClinVar variation 4814186 (VCV004814186.1).

ClinVar aggregate classification (germline): Pathogenic (1 of 4 stars; one submission).

Conditions:
SCN2A-related disorder. Also called: SCN2A-related condition; SCN2A-related disorders. Identifiers: MedGen CN382226, MONDO:1060245.

Submission:

Rady Children's Institute for Genomic Medicine, Rady Children's Hospital San Diego
Classification: Pathogenic for SCN2A-related disorders. Last evaluated: 2023-03-31. Review status: criteria provided, single submitter. Criteria: ACMG Guidelines, 2015. Collection method: clinical testing. Allele origin: germline. Affected: yes.
Comment: This variant has been previously reported as a heterozygous change in a patient with epileptic encephalopathy (PMID: 29455050). A different amino acid change at the same residue (p.Met1770Leu) has been previously reported as a de novo change in an individual with epileptic encephalopathy and seizures (PMID: 26795593). The c.5308A>G (p.Met1770Val) variant is absent from the gnomAD population database and thus is presumed to be rare. The c.5308A>G (p.Met1770Val) variant affects a highly conserved amino acid; however, in silico analyses predict a discordant effect on protein function. Analysis of the parental samples was negative for the variant, indicating this variant likely occurred as a de novo event. Based on the available evidence, the c.5308A>G (p.Met1770Val) variant is classified as Pathogenic.

Literature cited by the submitters: PubMed 29455050; PubMed 26795593.